The following is an entry in ClinVar:

NM_020964.3(EPG5):c.1903C>T (p.Arg635Cys)

Gene: EPG5 (ectopic P-granules 5 autophagy tethering factor; minus strand). Cytogenetic location: 18q21.1.
Variant type: single nucleotide variant.
Coding change: c.1903C>T on transcript NM_020964.3 (MANE Select); coding-DNA position 1903, C replaced by T.
Protein change: p.Arg635Cys; replaces arginine 635 with cysteine.
Molecular consequence: missense variant.
Genome position (GRCh38, 1-based): chr18:45,943,201, G>A on the plus strand (C>T on the coding strand, the complement: EPG5 is on the minus strand). VCF-style: chr18-45943201-G-A. GRCh37 (hg19) VCF-style: chr18-43523167-G-A.
Other names: c.1903C>T (NM_020964.2); short protein forms R635C.
Identifiers: ClinVar variation 1366670 (VCV001366670.8), dbSNP rs764895705, ClinGen allele CA8949579.

ClinVar aggregate classification (germline): Uncertain significance. Review status: criteria provided, multiple submitters, no conflicts (2 of 4 stars). 2 submissions from 2 submitters: Uncertain significance (2). Last evaluated 2024-12-10.

Conditions:
Inborn genetic diseases. Identifiers: MedGen C0950123, MeSH D030342.
Vici syndrome (VICIS). Identifiers: Orphanet 1493, MedGen C1855772, MONDO:0009452, OMIM 242840.

Allele frequency attached by ClinVar (database versions not stated): gnomAD exomes 0.00002 and 0.00004; gnomAD 0.00003; ExAC 0.00004.
gnomAD v4.1: 39 of 1,613,956 alleles (0.0024%); highest among the groups gnomAD compares: South Asian, 0.02%; no homozygotes.

Submissions (2):

Ambry Genetics
Classification: Uncertain significance for Inborn genetic diseases. Last evaluated: 2024-12-10. Review status: criteria provided, single submitter. Criteria: Ambry Variant Classification Scheme 2023. Collection method: clinical testing. Allele origin: germline.

Labcorp Genetics (formerly Invitae), Labcorp
Classification: Uncertain significance for Vici syndrome. Last evaluated: 2024-06-20. Review status: criteria provided, single submitter. Criteria: Invitae Variant Classification Sherloc (09022015). Collection method: clinical testing. Allele origin: germline.
Comment: This sequence change replaces arginine, which is basic and polar, with cysteine, which is neutral and slightly polar, at codon 635 of the EPG5 protein (p.Arg635Cys). The frequency data for this variant in the population databases is considered unreliable, as metrics indicate poor data quality at this position in the gnomAD database. This variant has not been reported in the literature in individuals affected with EPG5-related conditions. ClinVar contains an entry for this variant (Variation ID: 1366670). Advanced modeling of protein sequence and biophysical properties (such as structural, functional, and spatial information, amino acid conservation, physicochemical variation, residue mobility, and thermodynamic stability) performed at Invitae indicates that this missense variant is expected to disrupt EPG5 protein function with a positive predictive value of 80%. In summary, the available evidence is currently insufficient to determine the role of this variant in disease. Therefore, it has been classified as a Variant of Uncertain Significance.